The following is an entry in ClinVar:

ClinVar aggregate classification (germline): Likely benign (1 of 4 stars; one submission).

Submission:

CeGaT Center for Human Genetics Tuebingen
Classification: Likely benign. Last evaluated: 2025-01-01. Review status: criteria provided, single submitter. Criteria: CeGaT Center For Human Genetics Tuebingen Variant Classification Criteria Version 2. Collection method: clinical testing. Allele origin: germline. Affected: yes. Observed: 1 variant allele.
Comment: OPN1MW2: PM2:Supporting, BP4, BP7; OPN1MW3: PM2:Supporting, BP4, BP7

NM_001048181.3(OPN1MW2):c.228G>A (p.Ala76=)

Genes: OPN1MW2 (opsin 1, medium wave sensitive 2; plus strand), OPN1MW3 (opsin 1, medium wave sensitive 3; plus strand). Cytogenetic location: Xq28.
Variant type: single nucleotide variant.
Coding change: c.228G>A on transcript NM_001048181.3 (MANE Select); coding-DNA position 228, G replaced by A.
Protein change: p.Ala76=; no amino-acid change (alanine 76 retained).
Molecular consequence: synonymous variant.
Genome position (GRCh38, 1-based): chrX:154,225,023, G>A. VCF-style: chrX-154225023-G-A. GRCh37 (hg19) VCF-style: chrX-153490492-G-A.
Identifiers: ClinVar variation 3771030 (VCV003771030.13).